The following is an entry in ClinVar:

NM_004958.4(MTOR):c.6934-5T>C

Gene: MTOR (mechanistic target of rapamycin kinase; minus strand). Cytogenetic location: 1p36.22.
Variant type: single nucleotide variant.
Coding change: c.6934-5T>C on transcript NM_004958.4 (MANE Select); 5 bases into the intron before coding-DNA position 6934, T replaced by C.
Molecular consequence: intron variant.
Genome position (GRCh38, 1-based): chr1:11,117,091, A>G on the plus strand (T>C on the coding strand, the complement: MTOR is on the minus strand). VCF-style: chr1-11117091-A-G. GRCh37 (hg19) VCF-style: chr1-11177148-A-G.
Other names: c.5686-5T>C (NM_001386501.1); c.6934-5T>C (NM_001386500.1).
Identifiers: ClinVar variation 2762683 (VCV002762683.3), dbSNP rs2522110583, ClinGen allele CA2574211005.

ClinVar aggregate classification (germline): Uncertain significance (1 of 4 stars; one submission).

Submission:

Labcorp Genetics (formerly Invitae), Labcorp
Classification: Uncertain significance. Last evaluated: 2023-09-22. Review status: criteria provided, single submitter. Criteria: Invitae Variant Classification Sherloc (09022015). Collection method: clinical testing. Allele origin: germline.
Comment: Algorithms developed to predict the effect of sequence changes on RNA splicing suggest that this variant may disrupt the consensus splice site. In summary, the available evidence is currently insufficient to determine the role of this variant in disease. Therefore, it has been classified as a Variant of Uncertain Significance. This variant has not been reported in the literature in individuals affected with MTOR-related conditions. This variant is not present in population databases (gnomAD no frequency). This sequence change falls in intron 49 of the MTOR gene. It does not directly change the encoded amino acid sequence of the MTOR protein.